The following is an entry in ClinVar:

NM_001966.4(EHHADH):c.1270C>T (p.Arg424Cys)

Gene: EHHADH (enoyl-CoA hydratase and 3-hydroxyacyl CoA dehydrogenase; minus strand). Cytogenetic location: 3q27.2.
Variant type: single nucleotide variant.
Coding change: c.1270C>T on transcript NM_001966.4 (MANE Select); coding-DNA position 1270, C replaced by T.
Protein change: p.Arg424Cys; replaces arginine 424 with cysteine.
Molecular consequence: missense variant.
Genome position (GRCh38, 1-based): chr3:185,193,128, G>A on the plus strand (C>T on the coding strand, the complement: EHHADH is on the minus strand). VCF-style: chr3-185193128-G-A. GRCh37 (hg19) VCF-style: chr3-184910916-G-A.
Other names: c.982C>T, p.Arg328Cys (NM_001166415.2); short protein forms R328C, R424C.
Identifiers: ClinVar variation 2402566 (VCV002402566.4), dbSNP rs143700632, ClinGen allele CA2739004.

ClinVar aggregate classification (germline): Uncertain significance. Review status: criteria provided, multiple submitters, no conflicts (2 of 4 stars). 2 submissions from 2 submitters: Uncertain significance (2). Last evaluated 2026-06-01.

Conditions:
EHHADH-related disorder. Also called: EHHADH-related condition.

Allele frequency attached by ClinVar (database versions not stated): gnomAD 0.00005; ExAC 0.00006; TOPMed 0.00007; ESP Exome Variant Server 0.00008; gnomAD exomes 0.00009.
gnomAD v4.1: 148 of 1,613,058 alleles (0.0092%); highest among the groups gnomAD compares: Middle Eastern, 0.016%; no homozygotes.

Submissions (2):

PreventionGenetics, part of Exact Sciences
Classification: Uncertain significance for EHHADH-related condition. Last evaluated: 2026-06-01. Review status: criteria provided, single submitter. Criteria: ACMG Guidelines, 2015. Collection method: clinical testing. Allele origin: germline.
Comment: The EHHADH c.1270C>T variant is predicted to result in the amino acid substitution p.Arg424Cys. To our knowledge, this variant has not been reported in the literature. This variant is reported in 0.012% of alleles in individuals of Latino descent in gnomAD, which may be too common for a primary cause of disease. Although we suspect that this variant may be benign, at this time, the clinical significance of this variant is uncertain due to the absence of conclusive functional and genetic evidence.

Ambry Genetics
Classification: Uncertain significance. Last evaluated: 2024-11-11. Review status: criteria provided, single submitter. Criteria: Ambry Variant Classification Scheme 2023. Collection method: clinical testing. Allele origin: germline.